The following is an entry in ClinVar:

NM_014363.6(SACS):c.8729A>G (p.Asn2910Ser)

Gene: SACS (sacsin molecular chaperone; minus strand). Cytogenetic location: 13q12.12.
Variant type: single nucleotide variant.
Coding change: c.8729A>G on transcript NM_014363.6 (MANE Select); coding-DNA position 8729, A replaced by G.
Protein change: p.Asn2910Ser; replaces asparagine 2910 with serine.
Molecular consequence: missense variant.
Genome position (GRCh38, 1-based): chr13:23,335,147, T>C on the plus strand (A>G on the coding strand, the complement: SACS is on the minus strand). VCF-style: chr13-23335147-T-C. GRCh37 (hg19) VCF-style: chr13-23909286-T-C.
Other names: c.8288A>G, p.Asn2763Ser (NM_001278055.2); short protein forms N2763S, N2910S.
Identifiers: ClinVar variation 1694694 (VCV001694694.31), dbSNP rs2137589975, ClinGen allele CA387515990.

ClinVar aggregate classification (germline): Uncertain significance (1 of 4 stars; one submission).

Submission:

CeGaT Center for Human Genetics Tuebingen
Classification: Uncertain significance. Last evaluated: 2022-05-01. Review status: criteria provided, single submitter. Criteria: CeGaT Center For Human Genetics Tuebingen Variant Classification Criteria Version 2. Collection method: clinical testing. Allele origin: germline. Affected: yes. Observed: 1 variant allele.
Comment: SACS: PM2, PP4